The following is an entry in ClinVar:

NM_000051.4(ATM):c.669_673del (p.Lys224fs)

Gene: ATM (ATM serine/threonine kinase; plus strand). Cytogenetic location: 11q22.3.
Variant type: Deletion.
Coding change: c.669_673del on transcript NM_000051.4 (MANE Select); coding-DNA positions 669 to 673, 5 bases deleted (AAAGA; older notation c.669_673delAAAGA).
Protein change: p.Lys224fs; shifts the reading frame from lysine 224.
Molecular consequence: frameshift variant.
Genome position (GRCh38, 1-based): chr11:108,244,794-108,244,798, AAAGA deleted; deleting any 5 consecutive bases within chr11:108,244,790-108,244,798 gives the same sequence; the c. name uses the placement nearest the transcript's 3' end. VCF-style (leftmost placement, unchanged base first): chr11-108244789-CAAGAA-C. GRCh37 (hg19) VCF-style: chr11-108115516-CAAGAA-C.
Other names: c.669_673del, p.Lys224fs (NM_001351834.2); short protein forms K224fs.
Identifiers: ClinVar variation 3148826 (VCV003148826.3), dbSNP rs2497146492, ClinGen allele CA2825001756.
Genomic context (GRCh38, chr11:108,244,789, plus strand): 5'-CAGTTTGTACAGTTTGTTCCCCCTGTTATACCCAGTTGAGCTTGTTTGTTTCTTCACAGA[CAAGAA>C]AAGAGCTCTTCAGGTCTAAATCATATCTTAGCAGCTCTTACTATCTTCCTCAAGACTTTG-3'

ClinVar aggregate classification (germline): Pathogenic. Review status: criteria provided, multiple submitters, no conflicts (2 of 4 stars). 2 submissions from 2 submitters: Pathogenic (2). Last evaluated 2024-03-02.

Conditions:
Ataxia-telangiectasia syndrome (AT). Also called: Ataxia telangiectasia (A-T); Ataxia-telangiectasia, complementation group D; Ataxia-telangiectasia, complementation group E; LOUIS-BAR SYNDROME; Cerebello-oculocutaneous telangiectasia; Immunodeficiency with ataxia telangiectasia. Identifiers: Orphanet 100, MedGen C0004135, MONDO:0008840, OMIM 208900.
Familial cancer of breast. Also called: Hereditary breast cancer; BREAST CANCER, FAMILIAL; hereditary breast carcinoma. Identifiers: Orphanet 227535, MedGen C0346153, MONDO:0016419, OMIM 114480. Disease mechanism: loss of function.

Submissions (2):

Labcorp Genetics (formerly Invitae), Labcorp
Classification: Pathogenic for Ataxia-telangiectasia syndrome. Last evaluated: 2024-03-02. Review status: criteria provided, single submitter. Criteria: Invitae Variant Classification Sherloc (09022015). Collection method: clinical testing. Allele origin: germline.
Comment: This sequence change creates a premature translational stop signal (p.Lys224Leufs*28) in the ATM gene. It is expected to result in an absent or disrupted protein product. Loss-of-function variants in ATM are known to be pathogenic (PMID: 23807571, 25614872). This variant is not present in population databases (gnomAD no frequency). This variant has not been reported in the literature in individuals affected with ATM-related conditions. For these reasons, this variant has been classified as Pathogenic.

Myriad Genetics, Inc.
Classification: Pathogenic for Familial cancer of breast. Last evaluated: 2024-01-09. Review status: criteria provided, single submitter. Criteria: Myriad Autosomal Dominant, Autosomal Recessive and X-Linked Classification Criteria (2023). Collection method: clinical testing. Allele origin: unknown.
Comment: This variant is considered pathogenic. This variant creates a frameshift predicted to result in premature protein truncation.

Literature cited by the submitters: PubMed 23807571 (cited by Labcorp Genetics (formerly Invitae), Labcorp); PubMed 25614872 (cited by Labcorp Genetics (formerly Invitae), Labcorp).